The following is an entry in ClinVar:

ClinVar aggregate classification (germline): Uncertain significance (1 of 4 stars; one submission).

Conditions:
Inborn genetic diseases. Identifiers: MedGen C0950123, MeSH D030342.

Submission:

Ambry Genetics
Classification: Uncertain significance for Inborn genetic diseases. Last evaluated: 2023-01-21. Review status: criteria provided, single submitter. Criteria: Ambry Variant Classification Scheme 2023. Collection method: clinical testing. Allele origin: germline.
Comment: The p.I1940V variant (also known as c.5818A>G), located in coding exon 40 of the LRRK2 gene, results from an A to G substitution at nucleotide position 5818. The isoleucine at codon 1940 is replaced by valine, an amino acid with highly similar properties. This amino acid position is conserved. In addition, this alteration is predicted to be tolerated by in silico analysis. Since supporting evidence is limited at this time, the clinical significance of this alteration remains unclear.

NM_198578.4(LRRK2):c.5818A>G (p.Ile1940Val)

Gene: LRRK2 (leucine rich repeat kinase 2; plus strand). Cytogenetic location: 12q12.
Variant type: single nucleotide variant.
Coding change: c.5818A>G on transcript NM_198578.4 (MANE Select); coding-DNA position 5818, A replaced by G.
Protein change: p.Ile1940Val; replaces isoleucine 1940 with valine.
Molecular consequence: missense variant.
Genome position (GRCh38, 1-based): chr12:40,335,027, A>G. VCF-style: chr12-40335027-A-G. GRCh37 (hg19) VCF-style: chr12-40728829-A-G.
Other names: short protein forms I1940V.
Identifiers: ClinVar variation 2447261 (VCV002447261.2), dbSNP rs2499930326, ClinGen allele CA384402029.